The following is an entry in ClinVar:

NM_024334.3(TMEM43):c.684C>T (p.Ser228=)

Gene: TMEM43 (transmembrane protein 43; plus strand). Cytogenetic location: 3p25.1.
Variant type: single nucleotide variant.
Coding change: c.684C>T on transcript NM_024334.3 (MANE Select); coding-DNA position 684, C replaced by T.
Protein change: p.Ser228=; no amino-acid change (serine 228 retained).
Molecular consequence: synonymous variant.
Genome position (GRCh38, 1-based): chr3:14,134,870, C>T. VCF-style: chr3-14134870-C-T. GRCh37 (hg19) VCF-style: chr3-14176370-C-T.
Identifiers: ClinVar variation 633441 (VCV000633441.24), dbSNP rs371019231, ClinGen allele CA054850.

ClinVar aggregate classification (germline): Likely benign. Review status: criteria provided, multiple submitters, no conflicts (2 of 4 stars). 6 submissions from 6 submitters: Likely benign (6). Last evaluated 2025-11-01.

Conditions:
Arrhythmogenic right ventricular dysplasia 5. Also called: Arrhythmogenic Right Ventricular Dysplasia/Cardiomyopathy 5; ARRHYTHMOGENIC RIGHT VENTRICULAR DYSPLASIA, FAMILIAL, 5. Identifiers: MedGen C1858379, MONDO:0011459, OMIM 604400.
Cardiovascular phenotype. Identifiers: MedGen CN230736.
Cardiomyopathy (CMYO). Also called: Cardiomyopathies. Identifiers: Orphanet 167848, MedGen C0878544, MONDO:0004994, HP:0001638. Inheritance: Various modes of inheritance.

Allele frequency attached by ClinVar (database versions not stated): gnomAD exomes 0.00002 and 0.00004; TOPMed 0.00002; gnomAD 0.00003; ExAC 0.00005; ESP Exome Variant Server 0.00008.
gnomAD v4.1: 34 of 1,614,054 alleles (0.0021%); highest among the groups gnomAD compares: Non-Finnish European, 0.0019%; no homozygotes.

Submissions (6):

CeGaT Center for Human Genetics Tuebingen
Classification: Likely benign. Last evaluated: 2025-11-01. Review status: criteria provided, single submitter. Criteria: CeGaT Center For Human Genetics Tuebingen Variant Classification Criteria Version 2. Collection method: clinical testing. Allele origin: germline. Affected: yes. Observed: 1 variant allele.
Comment: TMEM43: BP4, BP7

Labcorp Genetics (formerly Invitae), Labcorp
Classification: Likely benign for Arrhythmogenic right ventricular dysplasia 5. Last evaluated: 2025-06-29. Review status: criteria provided, single submitter. Criteria: Invitae Variant Classification Sherloc (09022015). Collection method: clinical testing. Allele origin: germline.

All of Us Research Program, National Institutes of Health
Classification: Likely benign for Arrhythmogenic right ventricular dysplasia 5. Last evaluated: 2024-05-14. Review status: criteria provided, single submitter. Criteria: ACMG Guidelines, 2015. Collection method: clinical testing. Allele origin: germline. Inheritance: Autosomal dominant inheritance. Observed: 12 variant alleles, 12 heterozygotes.
Comment: This study involves interpretation of variants in research participants for the purpose of population health screening. Participant phenotype was not available at the time of variant classification. Additional details can be found in publication PMID: 35346344, PMCID: PMC8962531

Ambry Genetics
Classification: Likely benign for Cardiovascular phenotype. Last evaluated: 2023-06-21. Review status: criteria provided, single submitter. Criteria: Ambry Variant Classification Scheme 2023. Collection method: clinical testing. Allele origin: germline.

Women's Health and Genetics/Laboratory Corporation of America, LabCorp
Classification: Likely benign. Last evaluated: 2019-08-29. Review status: criteria provided, single submitter. Criteria: LabCorp Variant Classification Summary - May 2015. Collection method: clinical testing. Allele origin: germline.

Color Diagnostics, LLC DBA Color Health
Classification: Likely benign for Cardiomyopathy. Last evaluated: 2019-02-01. Review status: criteria provided, single submitter. Criteria: ACMG Guidelines, 2015. Collection method: clinical testing. Allele origin: germline.